The following is an entry in ClinVar:

NM_006922.4(SCN3A):c.1727G>A (p.Ser576Asn)

Gene: SCN3A (sodium voltage-gated channel alpha subunit 3; minus strand). Cytogenetic location: 2q24.3.
Variant type: single nucleotide variant.
Coding change: c.1727G>A on transcript NM_006922.4 (MANE Select); coding-DNA position 1727, G replaced by A.
Protein change: p.Ser576Asn; replaces serine 576 with asparagine.
Molecular consequence: missense variant.
Genome position (GRCh38, 1-based): chr2:165,140,943, C>T on the plus strand (G>A on the coding strand, the complement: SCN3A is on the minus strand). VCF-style: chr2-165140943-C-T. GRCh37 (hg19) VCF-style: chr2-165997453-C-T.
Other names: c.1727G>A, p.Ser576Asn (NM_001081676.2, NM_001081677.2); short protein forms S576N.
Identifiers: ClinVar variation 863916 (VCV000863916.9), dbSNP rs1232836414, ClinGen allele CA349047058.

ClinVar aggregate classification (germline): Uncertain significance (1 of 4 stars; one submission).

Allele frequency attached by ClinVar (database versions not stated): gnomAD exomes below 0.00001; TOPMed below 0.00001.

Submission:

Labcorp Genetics (formerly Invitae), Labcorp
Classification: Uncertain significance. Last evaluated: 2020-03-13. Review status: criteria provided, single submitter. Criteria: Invitae Variant Classification Sherloc (09022015). Collection method: clinical testing. Allele origin: germline.
Comment: In summary, the available evidence is currently insufficient to determine the role of this variant in disease. Therefore, it has been classified as a Variant of Uncertain Significance. Algorithms developed to predict the effect of missense changes on protein structure and function are either unavailable or do not agree on the potential impact of this missense change (SIFT: "Deleterious"; PolyPhen-2: "Probably Damaging"; Align-GVGD: "Class C0"). This variant has not been reported in the literature in individuals with SCN3A-related conditions. This variant is not present in population databases (ExAC no frequency). This sequence change replaces serine with asparagine at codon 576 of the SCN3A protein (p.Ser576Asn). The serine residue is highly conserved and there is a small physicochemical difference between serine and asparagine.